The following is an entry in ClinVar:

ClinVar aggregate classification (germline): Uncertain significance (1 of 4 stars; one submission).

Conditions:
Inborn genetic diseases. Identifiers: MedGen C0950123, MeSH D030342.

Submission:

Ambry Genetics
Classification: Uncertain significance for Inborn genetic diseases. Last evaluated: 2025-07-14. Review status: criteria provided, single submitter. Criteria: Ambry Variant Classification Scheme 2023. Collection method: clinical testing. Allele origin: germline.
Comment: The p.G285R variant (also known as c.853G>A) is located in coding exon 7 of the BMPR2 gene. The glycine at codon 285 is replaced by arginine, an amino acid with dissimilar properties. This change occurs in the first base pair of coding exon 7. This amino acid position is conserved. In addition, this alteration is predicted to be deleterious by in silico analysis. Based on the available evidence, the clinical significance of this variant remains unclear.

NM_001204.7(BMPR2):c.853G>A (p.Gly285Arg)

Gene: BMPR2 (bone morphogenetic protein receptor type 2; plus strand). Cytogenetic location: 2q33.2.
Variant type: single nucleotide variant.
Coding change: c.853G>A on transcript NM_001204.7 (MANE Select); coding-DNA position 853, G replaced by A.
Protein change: p.Gly285Arg; replaces glycine 285 with arginine.
Molecular consequence: missense variant.
Genome position (GRCh38, 1-based): chr2:202,520,087, G>A. VCF-style: chr2-202520087-G-A. GRCh37 (hg19) VCF-style: chr2-203384810-G-A.
Other names: short protein forms G285R.
Identifiers: ClinVar variation 4214445 (VCV004214445.1).
Genomic context (GRCh38, chr2:202,520,087, plus strand): 5'-TTCATGTTAAAGTGAGTTAATTCTACCTTTTTTTTTTTTCGCATTTTTTCCTCTATATAG[G>A]GATCTTTATGCAAGTATTTAAGTCTCCACACAAGTGACTGGGTAAGCTCTTGCCGTCTTG-3'
Protein context (NP_001195.2, residues 275-295): YLLVMEYYPN[Gly285Arg]SLCKYLSLHT